The following is an entry in ClinVar:

ClinVar aggregate classification (germline): Uncertain significance (1 of 4 stars; one submission).

Submission:

Labcorp Genetics (formerly Invitae), Labcorp
Classification: Uncertain significance. Last evaluated: 2021-05-18. Review status: criteria provided, single submitter. Criteria: Invitae Variant Classification Sherloc (09022015). Collection method: clinical testing. Allele origin: germline.
Comment: In summary, the available evidence is currently insufficient to determine the role of this variant in disease. Therefore, it has been classified as a Variant of Uncertain Significance. Algorithms developed to predict the effect of missense changes on protein structure and function are either unavailable or do not agree on the potential impact of this missense change (SIFT: "Deleterious"; PolyPhen-2: "Probably Damaging"; Align-GVGD: "Class C0"). This variant has not been reported in the literature in individuals with DIP2C-related conditions. This variant is not present in population databases (ExAC no frequency). This sequence change replaces proline with serine at codon 1035 of the DIP2C protein (p.Pro1035Ser). The proline residue is highly conserved and there is a moderate physicochemical difference between proline and serine.

NM_014974.3(DIP2C):c.3103C>T (p.Pro1035Ser)

Gene: DIP2C (DIP2 acetate--CoA ligase C (putative); minus strand). Cytogenetic location: 10p15.3.
Variant type: single nucleotide variant.
Coding change: c.3103C>T on transcript NM_014974.3 (MANE Select); coding-DNA position 3103, C replaced by T.
Protein change: p.Pro1035Ser; replaces proline 1035 with serine.
Molecular consequence: missense variant.
Genome position (GRCh38, 1-based): chr10:349,337, G>A on the plus strand (C>T on the coding strand, the complement: DIP2C is on the minus strand). VCF-style: chr10-349337-G-A. GRCh37 (hg19) VCF-style: chr10-395277-G-A.
Other names: short protein forms P1035S.
Identifiers: ClinVar variation 1354706 (VCV001354706.8), dbSNP rs2132632456, ClinGen allele CA375830917.